The following is an entry in ClinVar:

NM_024675.4(PALB2):c.3396G>A (p.Leu1132=)

Gene: PALB2 (partner and localizer of BRCA2; minus strand). Cytogenetic location: 16p12.2.
Variant type: single nucleotide variant.
Coding change: c.3396G>A on transcript NM_024675.4 (MANE Select); coding-DNA position 3396, G replaced by A.
Protein change: p.Leu1132=; no amino-acid change (leucine 1132 retained).
Molecular consequence: synonymous variant. On other transcripts: 3 prime UTR variant (5).
Genome position (GRCh38, 1-based): chr16:23,603,624, C>T on the plus strand (G>A on the coding strand, the complement: PALB2 is on the minus strand). VCF-style: chr16-23603624-C-T. GRCh37 (hg19) VCF-style: chr16-23614945-C-T.
Other names: c.3336G>A, p.Leu1112= (NM_001407296.1); c.3324G>A, p.Leu1108= (NM_001407297.1); c.3234G>A, p.Leu1078= (NM_001407298.1); c.3159G>A, p.Leu1053= (NM_001407299.1); c.3117G>A, p.Leu1039= (NM_001407300.1); c.*31G>A (NM_001407301.1, NM_001407302.1, NM_001407310.1 and 2 more transcripts); c.2511G>A, p.Leu837= (NM_001407304.1, NM_001407305.1, NM_001407306.1); c.2349G>A, p.Leu783= (NM_001407307.1); and 3 more.
Identifiers: ClinVar variation 3903827 (VCV003903827.3).

ClinVar aggregate classification (germline): Benign/Likely benign. Review status: criteria provided, multiple submitters, no conflicts (2 of 4 stars). 3 submissions from 3 submitters: Benign (1); Likely benign (2). Last evaluated 2026-04-30.

Conditions:
Familial cancer of breast. Also called: BREAST CANCER, FAMILIAL; Hereditary breast cancer; hereditary breast carcinoma. Identifiers: Orphanet 227535, MedGen C0346153, MONDO:0016419, OMIM 114480. Disease mechanism: loss of function.
Hereditary cancer-predisposing syndrome. Also called: Neoplastic Syndromes, Hereditary; Tumor predisposition; Hereditary Cancer Syndrome; Hereditary neoplastic syndrome. Identifiers: Orphanet 140162, MedGen C0027672, MeSH D009386, MONDO:0015356.

gnomAD v4.1: 1 of 1,613,772 alleles (0.000062%); highest among the groups gnomAD compares: Admixed American, 0.0017%; no homozygotes.

Submissions (3):

Ambry Genetics
Classification: Likely benign for Hereditary cancer-predisposing syndrome. Last evaluated: 2026-04-30. Review status: criteria provided, single submitter. Criteria: Ambry Variant Classification Scheme 2023. Collection method: clinical testing. Allele origin: germline.

Labcorp Genetics (formerly Invitae), Labcorp
Classification: Likely benign for Familial cancer of breast. Last evaluated: 2025-11-19. Review status: criteria provided, single submitter. Criteria: Invitae Variant Classification Sherloc (09022015). Collection method: clinical testing. Allele origin: germline.

Myriad Genetics, Inc.
Classification: Benign for Familial cancer of breast. Last evaluated: 2025-01-22. Review status: criteria provided, single submitter. Criteria: Myriad Autosomal Dominant, Autosomal Recessive and X-Linked Classification Criteria (2023). Collection method: clinical testing. Allele origin: unknown.
Comment: This variant is considered benign. This variant is a silent/synonymous amino acid change and it is not expected to impact splicing.